The following is an entry in ClinVar:

ClinVar aggregate classification (germline): Uncertain significance (1 of 4 stars; one submission).

Submission:

GeneDx
Classification: Uncertain significance. Last evaluated: 2026-02-12. Review status: criteria provided, single submitter. Criteria: GeneDx Variant Classification Process June 2021. Collection method: clinical testing. Allele origin: germline.
Comment: Not observed at significant frequency in large population cohorts (gnomAD); In silico analysis supports that this missense variant has a deleterious effect on protein structure/function; Has not been previously published as pathogenic or benign to our knowledge

NM_001291415.2(KDM6A):c.473A>G (p.Tyr158Cys)

Gene: KDM6A (lysine demethylase 6A; plus strand). Cytogenetic location: Xp11.3.
Variant type: single nucleotide variant.
Coding change: c.473A>G on transcript NM_001291415.2 (MANE Select); coding-DNA position 473, A replaced by G.
Protein change: p.Tyr158Cys; replaces tyrosine 158 with cysteine.
Molecular consequence: missense variant. On other transcripts: non-coding transcript variant (1), intron variant (1).
Genome position (GRCh38, 1-based): chrX:45,020,639, A>G. VCF-style: chrX-45020639-A-G. GRCh37 (hg19) VCF-style: chrX-44879884-A-G.
Other names: c.473A>G, p.Tyr158Cys (NM_001291416.2, NM_001291417.2, NM_001291418.2 and 9 more transcripts); c.-190+9620A>G (NM_001291421.2); short protein forms Y158C.
Identifiers: ClinVar variation 5008077 (VCV005008077.1).